The following is an entry in ClinVar:

NM_001374353.1(GLI2):c.4678G>C (p.Glu1560Gln)

Gene: GLI2 (GLI family zinc finger 2; plus strand). Cytogenetic location: 2q14.2.
Variant type: single nucleotide variant.
Coding change: c.4678G>C on transcript NM_001374353.1 (MANE Select); coding-DNA position 4678, G replaced by C.
Protein change: p.Glu1560Gln; replaces glutamic acid 1560 with glutamine.
Molecular consequence: missense variant.
Genome position (GRCh38, 1-based): chr2:120,990,643, G>C. VCF-style: chr2-120990643-G-C. GRCh37 (hg19) VCF-style: chr2-121748219-G-C.
Other names: c.4729G>C, p.Glu1577Gln (NM_001371271.1, NM_005270.5); c.4303G>C, p.Glu1435Gln (NM_001374354.1); short protein forms E1435Q, E1560Q, E1577Q.
Identifiers: ClinVar variation 2629544 (VCV002629544.1), dbSNP rs770936696, ClinGen allele CA348180375.

ClinVar aggregate classification (germline): Uncertain significance (1 of 4 stars; one submission).

Conditions:
GLI2-related disorder. Also called: GLI2-related disorders; GLI2-related condition.

gnomAD v4.1: 2 of 1,612,938 alleles (0.00012%); highest among the groups gnomAD compares: Non-Finnish European, 0.00017%; no homozygotes.

Submission:

PreventionGenetics, part of Exact Sciences
Classification: Uncertain significance for GLI2-related condition. Last evaluated: 2022-11-09. Review status: criteria provided, single submitter. Criteria: ACMG Guidelines, 2015. Collection method: clinical testing. Allele origin: germline.
Comment: The GLI2 c.4729G>C variant is predicted to result in the amino acid substitution p.Glu1577Gln. To our knowledge, this variant has not been reported in the literature. This variant is reported in 0.00088% of alleles in individuals of European (Non-Finnish) descent in gnomAD. At this time, the clinical significance of this variant is uncertain due to the absence of conclusive functional and genetic evidence.